The following is an entry in ClinVar:

NM_005263.5(GFI1):c.268T>C (p.Trp90Arg)

Gene: GFI1 (growth factor independent 1 transcriptional repressor; minus strand). Cytogenetic location: 1p22.1.
Variant type: single nucleotide variant.
Coding change: c.268T>C on transcript NM_005263.5 (MANE Select); coding-DNA position 268, T replaced by C.
Protein change: p.Trp90Arg; replaces tryptophan 90 with arginine.
Molecular consequence: missense variant.
Genome position (GRCh38, 1-based): chr1:92,482,894, A>G on the plus strand (T>C on the coding strand, the complement: GFI1 is on the minus strand). VCF-style: chr1-92482894-A-G. GRCh37 (hg19) VCF-style: chr1-92948451-A-G.
Other names: c.268T>C, p.Trp90Arg (NM_001127215.3, NM_001127216.3); short protein forms W90R.
Identifiers: ClinVar variation 1995881 (VCV001995881.5), dbSNP rs2524737915, ClinGen allele CA341150337.
Genomic context (GRCh38, chr1:92,482,894, plus strand): 5'-CCGCCCAAGAGGTTCCCAGTGGGTTCCTACCTGGAGACGCGGAGGGTGACGGGGGCCTCC[A>G]GAAGTCCTCAAACTCCGAGCTCCGTTCGCAGACGCTGCCTTCGCAGCTGTCTGGGGATGC-3'
Protein context (NP_005254.2, residues 80-100): CERSSEFEDF[Trp90Arg]RPPSPSASPA

ClinVar aggregate classification (germline): Uncertain significance. Review status: criteria provided, multiple submitters, no conflicts (2 of 4 stars). 2 submissions from 2 submitters: Uncertain significance (2). Last evaluated 2025-12-09.

Conditions:
Neutropenia, severe congenital, 2, autosomal dominant. Identifiers: Orphanet 486, MedGen C2751288, MONDO:0013139, OMIM 613107.

Submissions (2):

Ambry Genetics
Classification: Uncertain significance. Last evaluated: 2025-12-09. Review status: criteria provided, single submitter. Criteria: Ambry Variant Classification Scheme 2023. Collection method: clinical testing. Allele origin: germline.
Comment: The p.W90R variant (also known as c.268T>C), located in coding exon 2 of the GFI1 gene, results from a T to C substitution at nucleotide position 268. The tryptophan at codon 90 is replaced by arginine, an amino acid with dissimilar properties. This amino acid position is conserved. In addition, the in silico prediction for this alteration is inconclusive. Based on the available evidence, the clinical significance of this variant remains unclear.

Labcorp Genetics (formerly Invitae), Labcorp
Classification: Uncertain significance for Neutropenia, severe congenital, 2, autosomal dominant. Last evaluated: 2022-05-18. Review status: criteria provided, single submitter. Criteria: Invitae Variant Classification Sherloc (09022015). Collection method: clinical testing. Allele origin: germline.
Comment: This variant is not present in population databases (gnomAD no frequency). This variant has not been reported in the literature in individuals affected with GFI1-related conditions. Algorithms developed to predict the effect of missense changes on protein structure and function are either unavailable or do not agree on the potential impact of this missense change (SIFT: "Deleterious"; PolyPhen-2: "Possibly Damaging"; Align-GVGD: "Class C15"). In summary, the available evidence is currently insufficient to determine the role of this variant in disease. Therefore, it has been classified as a Variant of Uncertain Significance. This sequence change replaces tryptophan, which is neutral and slightly polar, with arginine, which is basic and polar, at codon 90 of the GFI1 protein (p.Trp90Arg).